The following is an entry in ClinVar:

NM_000639.3(FASLG):c.200C>A (p.Pro67Gln)

Gene: FASLG (Fas ligand; plus strand). Cytogenetic location: 1q24.3.
Variant type: single nucleotide variant.
Coding change: c.200C>A on transcript NM_000639.3 (MANE Select); coding-DNA position 200, C replaced by A.
Protein change: p.Pro67Gln; replaces proline 67 with glutamine.
Molecular consequence: missense variant.
Genome position (GRCh38, 1-based): chr1:172,659,401, C>A. VCF-style: chr1-172659401-C-A. GRCh37 (hg19) VCF-style: chr1-172628541-C-A.
Other names: c.200C>A, p.Pro67Gln (NM_001302746.2); short protein forms P67Q.
Identifiers: ClinVar variation 2903576 (VCV002903576.1), dbSNP rs1041898198, ClinGen allele CA343805292.

ClinVar aggregate classification (germline): Uncertain significance (1 of 4 stars; one submission).

Conditions:
Autoimmune lymphoproliferative syndrome type 1. Also called: AUTOIMMUNE LYMPHOPROLIFERATIVE SYNDROME, TYPE I, AUTOSOMAL DOMINANT. Identifiers: Orphanet 3261, MedGen C2717884, MONDO:0011158, OMIM 601859.

Allele frequency attached by ClinVar (database versions not stated): gnomAD 0.00001; TOPMed 0.00001.
gnomAD v4.1: 3 of 1,612,498 alleles (0.00019%); highest among the groups gnomAD compares: African/African-American, 0.004%; no homozygotes.

Submission:

Labcorp Genetics (formerly Invitae), Labcorp
Classification: Uncertain significance for Autoimmune lymphoproliferative syndrome. Last evaluated: 2023-08-17. Review status: criteria provided, single submitter. Criteria: Invitae Variant Classification Sherloc (09022015). Collection method: clinical testing. Allele origin: germline.
Comment: In summary, the available evidence is currently insufficient to determine the role of this variant in disease. Therefore, it has been classified as a Variant of Uncertain Significance. An algorithm developed to predict the effect of missense changes on protein structure and function (PolyPhen-2) suggests that this variant is likely to be disruptive. This variant has not been reported in the literature in individuals affected with FASLG-related conditions. This variant is not present in population databases (gnomAD no frequency). This sequence change replaces proline, which is neutral and non-polar, with glutamine, which is neutral and polar, at codon 67 of the FASLG protein (p.Pro67Gln).